The following is an entry in ClinVar:

ClinVar aggregate classification (germline): Uncertain significance. Review status: criteria provided, multiple submitters, no conflicts (2 of 4 stars). 2 submissions from 2 submitters: Uncertain significance (2). Last evaluated 2022-11-13.

Conditions:
Fanconi anemia complementation group J. Also called: BRIP1-Related Fanconi Anemia. Identifiers: Orphanet 84, MedGen C1836860, MONDO:0012187, OMIM 609054.
Familial cancer of breast. Also called: BREAST CANCER, FAMILIAL; Hereditary breast cancer; hereditary breast carcinoma. Identifiers: Orphanet 227535, MedGen C0346153, MONDO:0016419, OMIM 114480. Disease mechanism: loss of function.
Hereditary cancer-predisposing syndrome. Also called: Tumor predisposition; Neoplastic Syndromes, Hereditary; Hereditary Cancer Syndrome; Hereditary neoplastic syndrome. Identifiers: Orphanet 140162, MedGen C0027672, MeSH D009386, MONDO:0015356.

Submissions (2):

Labcorp Genetics (formerly Invitae), Labcorp
Classification: Uncertain significance for Familial cancer of breast; Fanconi anemia complementation group J. Last evaluated: 2022-11-13. Review status: criteria provided, single submitter. Criteria: Invitae Variant Classification Sherloc (09022015). Collection method: clinical testing. Allele origin: germline.
Comment: This sequence change replaces threonine, which is neutral and polar, with serine, which is neutral and polar, at codon 632 of the BRIP1 protein (p.Thr632Ser). Advanced modeling of protein sequence and biophysical properties (such as structural, functional, and spatial information, amino acid conservation, physicochemical variation, residue mobility, and thermodynamic stability) performed at Invitae indicates that this missense variant is not expected to disrupt BRIP1 protein function. In summary, the available evidence is currently insufficient to determine the role of this variant in disease. Therefore, it has been classified as a Variant of Uncertain Significance. This variant is not present in population databases (gnomAD no frequency). This variant has not been reported in the literature in individuals affected with BRIP1-related conditions.

Ambry Genetics
Classification: Uncertain significance for Hereditary cancer-predisposing syndrome. Last evaluated: 2020-11-19. Review status: criteria provided, single submitter. Criteria: Ambry Variant Classification Scheme 2023. Collection method: clinical testing. Allele origin: germline.
Comment: The p.T632S variant (also known as c.1895C>G), located in coding exon 12 of the BRIP1 gene, results from a C to G substitution at nucleotide position 1895. The threonine at codon 632 is replaced by serine, an amino acid with similar properties. This amino acid position is not well conserved in available vertebrate species. In addition, this alteration is predicted to be tolerated by in silico analysis. Since supporting evidence is limited at this time, the clinical significance of this alteration remains unclear.

NM_032043.3(BRIP1):c.1895C>G (p.Thr632Ser)

Gene: BRIP1 (BRCA1 interacting DNA helicase 1; minus strand). Cytogenetic location: 17q23.2.
Variant type: single nucleotide variant.
Coding change: c.1895C>G on transcript NM_032043.3 (MANE Select); coding-DNA position 1895, C replaced by G.
Protein change: p.Thr632Ser; replaces threonine 632 with serine.
Molecular consequence: missense variant.
Genome position (GRCh38, 1-based): chr17:61,780,301, G>C on the plus strand (C>G on the coding strand, the complement: BRIP1 is on the minus strand). VCF-style: chr17-61780301-G-C. GRCh37 (hg19) VCF-style: chr17-59857662-G-C.
Other names: short protein forms T632S.
Identifiers: ClinVar variation 1782138 (VCV001782138.5), dbSNP rs2145076446, ClinGen allele CA400479303.